The following is an entry in ClinVar:

ClinVar aggregate classification (germline): Likely pathogenic (1 of 4 stars; one submission).

Conditions:
Autosomal recessive early-onset Parkinson disease 6 (PARK6). Also called: PINK1 Type of Young-Onset Parkinson Disease; PINK1-Related Parkinson Disease; PARKINSON DISEASE 6, MODIFIER OF; PARKINSON DISEASE 6, EARLY-ONSET. Identifiers: Orphanet 2828, MedGen C1853833, MONDO:0011613, OMIM 605909.

Submission:

Neuberg Centre For Genomic Medicine, NCGM
Classification: Likely pathogenic for Autosomal recessive early-onset Parkinson disease 6. Review status: criteria provided, single submitter. Criteria: ACMG Guidelines, 2015. Collection method: clinical testing. Allele origin: germline. Inheritance: Autosomal recessive inheritance. Affected: yes.
Comment: The stop gained p.Q129* in PINK1 (NM_032409.3) has not been reported previously as a pathogenic variant nor as a benign variant, to our knowledge. The p.Q129* variant is novel (not in any individuals) in gnomAD Exomes and is novel (not in any individuals) in 1000 Genomes. This variant is predicted to cause loss of normal protein function through protein truncation. Loss of function mutations have been previously reported to be disease causing. For these reasons, this variant has been classified as Likely Pathogenic.

NM_032409.3(PINK1):c.385C>T (p.Gln129Ter)

Gene: PINK1 (PTEN induced kinase 1; plus strand). Cytogenetic location: 1p36.12.
Variant type: single nucleotide variant.
Coding change: c.385C>T on transcript NM_032409.3 (MANE Select); coding-DNA position 385, C replaced by T.
Protein change: p.Gln129Ter; replaces glutamine 129 with a stop codon.
Molecular consequence: nonsense.
Genome position (GRCh38, 1-based): chr1:20,633,933, C>T. VCF-style: chr1-20633933-C-T. GRCh37 (hg19) VCF-style: chr1-20960426-C-T.
Other names: short protein forms Q129*.
Identifiers: ClinVar variation 2627454 (VCV002627454.1), dbSNP rs777146957, ClinGen allele CA338854567.